The following is an entry in ClinVar:

NM_000163.5(GHR):c.731G>T (p.Ser244Ile)

Gene: GHR (growth hormone receptor; plus strand). Cytogenetic location: 5p12.
Variant type: single nucleotide variant.
Coding change: c.731G>T on transcript NM_000163.5 (MANE Select); coding-DNA position 731, G replaced by T.
Protein change: p.Ser244Ile; replaces serine 244 with isoleucine.
Molecular consequence: missense variant.
Genome position (GRCh38, 1-based): chr5:42,711,319, G>T. VCF-style: chr5-42711319-G-T. GRCh37 (hg19) VCF-style: chr5-42711421-G-T.
Other names: c.752G>T, p.Ser251Ile (NM_001242399.2); c.731G>T, p.Ser244Ile (NM_001242400.2, NM_001242401.4, NM_001242402.2 and 5 more transcripts); c.665G>T, p.Ser222Ile (NM_001242460.2); short protein forms S244I, S222I, S251I.
Identifiers: ClinVar variation 4747441 (VCV004747441.1).

ClinVar aggregate classification (germline): Likely pathogenic (1 of 4 stars; one submission).

Submission:

Labcorp Genetics (formerly Invitae), Labcorp
Classification: Likely pathogenic. Last evaluated: 2025-09-05. Review status: criteria provided, single submitter. Criteria: Invitae Variant Classification Sherloc (09022015). Collection method: clinical testing. Allele origin: germline.
Comment: This sequence change replaces serine, which is neutral and polar, with isoleucine, which is neutral and non-polar, at codon 244 of the GHR protein (p.Ser244Ile). This variant is not present in population databases (gnomAD no frequency). This missense change has been observed in individual(s) with Laron syndrome (PMID: 14678285). It has also been observed to segregate with disease in related individuals. This variant is also known as S226I. Invitae Evidence Modeling of protein sequence and biophysical properties (such as structural, functional, and spatial information, amino acid conservation, physicochemical variation, residue mobility, and thermodynamic stability) indicates that this missense variant is expected to disrupt GHR protein function with a positive predictive value of 95%. In summary, the currently available evidence indicates that the variant is pathogenic, but additional data are needed to prove that conclusively. Therefore, this variant has been classified as Likely Pathogenic.

Literature cited by the submitters: PubMed 14678285.